The following is an entry in ClinVar:

ClinVar aggregate classification (germline): Uncertain significance (1 of 4 stars; one submission).

Allele frequency attached by ClinVar (database versions not stated): gnomAD 0.00001; ExAC 0.00002.
gnomAD v4.1: 6 of 1,614,116 alleles (0.00037%); highest among the groups gnomAD compares: Non-Finnish European, 0.00051%; no homozygotes.

Submission:

Labcorp Genetics (formerly Invitae), Labcorp
Classification: Uncertain significance. Last evaluated: 2021-12-22. Review status: criteria provided, single submitter. Criteria: Invitae Variant Classification Sherloc (09022015). Collection method: clinical testing. Allele origin: germline.
Comment: This sequence change replaces isoleucine, which is neutral and non-polar, with methionine, which is neutral and non-polar, at codon 294 of the ASAH1 protein (p.Ile294Met). This variant is present in population databases (rs760525887, gnomAD 0.003%). This variant has not been reported in the literature in individuals affected with ASAH1-related conditions. Algorithms developed to predict the effect of missense changes on protein structure and function are either unavailable or do not agree on the potential impact of this missense change (SIFT: "Deleterious"; PolyPhen-2: "Probably Damaging"; Align-GVGD: "Class C0"). In summary, the available evidence is currently insufficient to determine the role of this variant in disease. Therefore, it has been classified as a Variant of Uncertain Significance.

NM_177924.5(ASAH1):c.882T>G (p.Ile294Met)

Gene: ASAH1 (N-acylsphingosine amidohydrolase 1; minus strand). Cytogenetic location: 8p22.
Variant type: single nucleotide variant.
Coding change: c.882T>G on transcript NM_177924.5 (MANE Select); coding-DNA position 882, T replaced by G.
Protein change: p.Ile294Met; replaces isoleucine 294 with methionine.
Molecular consequence: missense variant.
Genome position (GRCh38, 1-based): chr8:18,059,607, A>C on the plus strand (T>G on the coding strand, the complement: ASAH1 is on the minus strand). VCF-style: chr8-18059607-A-C. GRCh37 (hg19) VCF-style: chr8-17917116-A-C.
Other names: c.864T>G, p.Ile288Met (NM_001127505.3); c.687T>G, p.Ile229Met (NM_001363743.2); c.930T>G, p.Ile310Met (NM_004315.6); short protein forms I310M, I294M, I229M, I288M.
Identifiers: ClinVar variation 2185535 (VCV002185535.1), dbSNP rs760525887, ClinGen allele CA4650646.